The following is an entry in ClinVar:

NM_014714.4(IFT140):c.2908G>A (p.Glu970Lys)

Genes: IFT140 (intraflagellar transport 140; minus strand), LOC126862260 (CDK7 strongly-dependent group 2 enhancer GRCh37_chr16:1574508-1575707; plus strand). Cytogenetic location: 16p13.3.
Variant type: single nucleotide variant.
Coding change: c.2908G>A on transcript NM_014714.4 (MANE Select); coding-DNA position 2908, G replaced by A.
Protein change: p.Glu970Lys; replaces glutamic acid 970 with lysine.
Molecular consequence: missense variant.
Genome position (GRCh38, 1-based): chr16:1,524,873, C>T on the plus strand (G>A on the coding strand, the complement: IFT140 is on the minus strand). VCF-style: chr16-1524873-C-T. GRCh37 (hg19) VCF-style: chr16-1574874-C-T.
Other names: short protein forms E970K.
Identifiers: ClinVar variation 318041 (VCV000318041.12), dbSNP rs143720412, ClinGen allele CA7813426.

ClinVar aggregate classification (germline): Uncertain significance. Review status: criteria provided, multiple submitters, no conflicts (2 of 4 stars). 3 submissions from 3 submitters: Uncertain significance (3). Last evaluated 2025-11-24.

Conditions:
Saldino-Mainzer syndrome (SRTD9). Also called: Renal dysplasia, retinal pigmentary dystrophy, cerebellar ataxia and skeletal dysplasia; SHORT-RIB THORACIC DYSPLASIA 9 WITHOUT POLYDACTYLY; CONORENAL SYNDROME; short-rib thoracic dysplasia 9 with or without polydactyly. Identifiers: Orphanet 140969, MedGen C1849437, MONDO:0009964, OMIM 266920.
Retinitis pigmentosa 80 (RP80). Identifiers: MedGen C4540439, MONDO:0054708, OMIM 617781.

Allele frequency attached by ClinVar (database versions not stated): ExAC 0.00001; gnomAD 0.00001; gnomAD exomes 0.00001 and 0.00002; TOPMed 0.00001; ESP Exome Variant Server 0.00008.
gnomAD v4.1: 32 of 1,612,376 alleles (0.002%); highest among the groups gnomAD compares: Middle Eastern, 0.017%; no homozygotes.

Submissions (3):

Labcorp Genetics (formerly Invitae), Labcorp
Classification: Uncertain significance for Saldino-Mainzer syndrome. Last evaluated: 2025-11-24. Review status: criteria provided, single submitter. Criteria: Invitae Variant Classification Sherloc (09022015). Collection method: clinical testing. Allele origin: germline.
Comment: This sequence change replaces glutamic acid, which is acidic and polar, with lysine, which is basic and polar, at codon 970 of the IFT140 protein (p.Glu970Lys). This variant is present in population databases (rs143720412, gnomAD 0.0009%). This variant has not been reported in the literature in individuals affected with IFT140-related conditions. ClinVar contains an entry for this variant (Variation ID: 318041). Invitae Evidence Modeling of protein sequence and biophysical properties (such as structural, functional, and spatial information, amino acid conservation, physicochemical variation, residue mobility, and thermodynamic stability) indicates that this missense variant is not expected to disrupt IFT140 protein function with a negative predictive value of 95%. In summary, the available evidence is currently insufficient to determine the role of this variant in disease. Therefore, it has been classified as a Variant of Uncertain Significance.

Fulgent Genetics
Classification: Uncertain significance for Saldino-Mainzer syndrome; Retinitis pigmentosa 80. Last evaluated: 2021-08-22. Review status: criteria provided, single submitter. Criteria: ACMG Guidelines, 2015. Collection method: clinical testing. Allele origin: unknown.

Illumina Laboratory Services, Illumina
Classification: Uncertain significance for Saldino-Mainzer syndrome. Last evaluated: 2018-01-12. Review status: criteria provided, single submitter. Criteria: ICSL Variant Classification Criteria 13 December 2019. Collection method: clinical testing. Allele origin: germline.